The following is an entry in ClinVar:

NM_001164508.2(NEB):c.2415+1G>T

Gene: NEB (nebulin; minus strand). Cytogenetic location: 2q23.3.
Variant type: single nucleotide variant.
Coding change: c.2415+1G>T on transcript NM_001164508.2 (MANE Select); the canonical splice donor site of the intron after coding-DNA position 2415, G replaced by T.
Molecular consequence: splice donor variant.
Genome position (GRCh38, 1-based): chr2:151,688,291, C>A on the plus strand (G>T on the coding strand, the complement: NEB is on the minus strand). VCF-style: chr2-151688291-C-A. GRCh37 (hg19) VCF-style: chr2-152544805-C-A.
Other names: c.2415+1G>T (NM_004543.5, NM_001164507.2, NM_001271208.2).
Identifiers: ClinVar variation 392654 (VCV000392654.2), dbSNP rs1057524581, ClinGen allele CA16603998.

ClinVar aggregate classification (germline): Likely pathogenic (1 of 4 stars; one submission).

Submission:

GeneDx
Classification: Likely pathogenic. Last evaluated: 2017-01-23. Review status: criteria provided, single submitter. Criteria: GeneDx Variant Classification (06012015). Collection method: clinical testing. Allele origin: germline. Affected: yes.
Comment: The c.2415+1G>T variant in the NEB gene has not been reported previously as a pathogenic variant, nor as a benign variant, to our knowledge. This splice site variant is predicted to cause abnormal gene splicing resulting in an in-frame protein product with an abnormal message. The c.2415+1G>T variant was not observed in approximately 6,000 individuals of European and African American ancestry in the NHLBI Exome Sequencing Project, indicating it is not a common benign variant in these populations. Therefore, we interpret c.2415+1G>T as a likely pathogenic variant.